The following is an entry in ClinVar:

NM_000535.7(PMS2):c.1416A>G (p.Lys472=)

Gene: PMS2 (PMS1 homolog 2, mismatch repair system component; minus strand). Cytogenetic location: 7p22.1.
Variant type: single nucleotide variant.
Coding change: c.1416A>G on transcript NM_000535.7 (MANE Select); coding-DNA position 1416, A replaced by G.
Protein change: p.Lys472=; no amino-acid change (lysine 472 retained).
Molecular consequence: synonymous variant. On other transcripts: non-coding transcript variant (1).
Genome position (GRCh38, 1-based): chr7:5,987,349, T>C on the plus strand (A>G on the coding strand, the complement: PMS2 is on the minus strand). VCF-style: chr7-5987349-T-C. GRCh37 (hg19) VCF-style: chr7-6026980-T-C.
Other names: c.483A>G, p.Lys161= (NM_001322011.2, NM_001322012.2); c.843A>G, p.Lys281= (NM_001322013.2); c.1416A>G, p.Lys472= (NM_001322014.2); c.1107A>G, p.Lys369= (NM_001322015.2); c.1011A>G, p.Lys337= (NM_001322003.2, NM_001322004.2, NM_001322005.2 and 1 more transcripts); c.1260A>G, p.Lys420= (NM_001322006.2); c.1098A>G, p.Lys366= (NM_001322007.2, NM_001322008.2); c.855A>G, p.Lys285= (NM_001322010.2).
Identifiers: ClinVar variation 760070 (VCV000760070.12), dbSNP rs1273167619, ClinGen allele CA453746532.

ClinVar aggregate classification (germline): Benign/Likely benign. Review status: criteria provided, multiple submitters, no conflicts (2 of 4 stars). 3 submissions from 3 submitters: Benign (1); Likely benign (2). Last evaluated 2025-11-18.

Conditions:
Hereditary cancer-predisposing syndrome. Also called: Tumor predisposition; Neoplastic Syndromes, Hereditary; Hereditary Cancer Syndrome; Hereditary neoplastic syndrome. Identifiers: Orphanet 140162, MedGen C0027672, MeSH D009386, MONDO:0015356.
Lynch syndrome 4 (LYNCH4). Also called: Colorectal cancer, hereditary nonpolyposis, type 4; Hereditary non-polyposis colorectal cancer, type 4. Identifiers: Orphanet 144, MedGen C1838333, MONDO:0013699, OMIM 614337. Disease mechanism: loss of function.
Hereditary nonpolyposis colorectal neoplasms. Identifiers: MedGen C0009405, MeSH D003123.

Allele frequency attached by ClinVar (database versions not stated): TOPMed below 0.00001; gnomAD 0.00001.
gnomAD v4.1: 1 of 1,614,062 alleles (0.000062%); highest among the groups gnomAD compares: African/African-American, 0.0013%; no homozygotes.

Submissions (3):

Labcorp Genetics (formerly Invitae), Labcorp
Classification: Likely benign for Hereditary nonpolyposis colorectal neoplasms. Last evaluated: 2025-11-18. Review status: criteria provided, single submitter. Criteria: Invitae Variant Classification Sherloc (09022015). Collection method: clinical testing. Allele origin: germline.

Myriad Genetics, Inc.
Classification: Benign for Lynch syndrome 4. Last evaluated: 2025-01-30. Review status: criteria provided, single submitter. Criteria: Myriad Autosomal Dominant, Autosomal Recessive and X-Linked Classification Criteria (2023). Collection method: clinical testing. Allele origin: unknown.
Comment: This variant is considered benign. This variant is a silent/synonymous amino acid change and it is not expected to impact splicing.

Ambry Genetics
Classification: Likely benign for Hereditary cancer-predisposing syndrome. Last evaluated: 2021-07-07. Review status: criteria provided, single submitter. Criteria: Ambry Variant Classification Scheme 2023. Collection method: clinical testing. Allele origin: germline.